The following is an entry in ClinVar:

NM_000093.5(COL5A1):c.709T>C (p.Cys237Arg)

Gene: COL5A1 (collagen type V alpha 1 chain; plus strand). Cytogenetic location: 9q34.3.
Variant type: single nucleotide variant.
Coding change: c.709T>C on transcript NM_000093.5 (MANE Select); coding-DNA position 709, T replaced by C.
Protein change: p.Cys237Arg; replaces cysteine 237 with arginine.
Molecular consequence: missense variant.
Genome position (GRCh38, 1-based): chr9:134,727,320, T>C. VCF-style: chr9-134727320-T-C. GRCh37 (hg19) VCF-style: chr9-137619166-T-C.
Other names: c.709T>C, p.Cys237Arg (NM_001278074.1); short protein forms C237R.
Identifiers: ClinVar variation 1317744 (VCV001317744.4), dbSNP rs2132632719, ClinGen allele CA375446292.

ClinVar aggregate classification (germline): Uncertain significance (1 of 4 stars; one submission).

Conditions:
Ehlers-Danlos syndrome, classic type, 2 (EDSCL2). Also called: Ehlers-Danlos syndrome, type 2; Ehlers-Danlos syndrome type 2 (formerly); Ehlers-Danlos Syndrome, Classic Type, COL5A2-Related. Identifiers: Orphanet 287, Orphanet 90318, MedGen C0268336, MONDO:0019568, OMIM 130010.
Ehlers-Danlos syndrome, classic type, 1 (EDSCL1). Also called: EHLERS-DANLOS SYNDROME, GRAVIS TYPE; EHLERS-DANLOS SYNDROME, SEVERE CLASSIC TYPE; Ehlers-Danlos syndrome, type 1; EDS I; Ehlers-Danlos Syndrome, Classic Type, COL5A1-Related. Identifiers: MedGen C0268335, MONDO:0019567, OMIM 130000.

Allele frequency attached by ClinVar (database versions not stated): gnomAD exomes below 0.00001.
gnomAD v4.1: 1 of 1,614,102 alleles (0.000062%); no homozygotes.

Submission:

GeneDx
Classification: Uncertain significance. Last evaluated: 2023-10-06. Review status: criteria provided, single submitter. Criteria: GeneDx Variant Classification Process June 2021. Collection method: clinical testing. Allele origin: germline. Affected: yes.
Comment: Has not been previously published as pathogenic or benign to our knowledge; Not observed at significant frequency in large population cohorts (gnomAD); In silico analysis supports that this missense variant has a deleterious effect on protein structure/function; Not located in the triple helical region where the majority of pathogenic missense variants occur (PMID: 22696272; HGMD)